The following is an entry in ClinVar:

NM_014762.4(DHCR24):c.1305C>T (p.Ile435=)

Gene: DHCR24 (24-dehydrocholesterol reductase; minus strand). Cytogenetic location: 1p32.3.
Variant type: single nucleotide variant.
Coding change: c.1305C>T on transcript NM_014762.4 (MANE Select); coding-DNA position 1305, C replaced by T.
Protein change: p.Ile435=; no amino-acid change (isoleucine 435 retained).
Molecular consequence: synonymous variant.
Genome position (GRCh38, 1-based): chr1:54,853,526, G>A on the plus strand (C>T on the coding strand, the complement: DHCR24 is on the minus strand). VCF-style: chr1-54853526-G-A. GRCh37 (hg19) VCF-style: chr1-55319199-G-A.
Identifiers: ClinVar variation 730388 (VCV000730388.14), dbSNP rs150219029, ClinGen allele CA870588.

ClinVar aggregate classification (germline): Benign/Likely benign. Review status: criteria provided, multiple submitters, no conflicts (2 of 4 stars). 2 submissions from 2 submitters: Benign (1); Likely benign (1). Last evaluated 2025-11-08.

Allele frequency attached by ClinVar (database versions not stated): gnomAD exomes 0.00010 and 0.00023; ExAC 0.00026; gnomAD 0.00088 and 0.00098; ESP Exome Variant Server 0.00092; TOPMed 0.00099.
gnomAD v4.1: 285 of 1,614,054 alleles (0.018%); highest among the groups gnomAD compares: African/African-American, 0.33%; no homozygotes.

Submissions (2):

Labcorp Genetics (formerly Invitae), Labcorp
Classification: Benign. Last evaluated: 2025-11-08. Review status: criteria provided, single submitter. Criteria: Invitae Variant Classification Sherloc (09022015). Collection method: clinical testing. Allele origin: germline.

CeGaT Center for Human Genetics Tuebingen
Classification: Likely benign. Last evaluated: 2025-11-01. Review status: criteria provided, single submitter. Criteria: CeGaT Center For Human Genetics Tuebingen Variant Classification Criteria Version 2. Collection method: clinical testing. Allele origin: germline. Affected: yes. Observed: 1 variant allele.
Comment: DHCR24: BP4, BP7